The following is an entry in ClinVar:

NM_006031.6(PCNT):c.8579C>G (p.Ser2860Cys)

Gene: PCNT (pericentrin; plus strand). Cytogenetic location: 21q22.3.
Variant type: single nucleotide variant.
Coding change: c.8579C>G on transcript NM_006031.6 (MANE Select); coding-DNA position 8579, C replaced by G.
Protein change: p.Ser2860Cys; replaces serine 2860 with cysteine.
Molecular consequence: missense variant. On other transcripts: intron variant (1).
Genome position (GRCh38, 1-based): chr21:46,432,043, C>G. VCF-style: chr21-46432043-C-G. GRCh37 (hg19) VCF-style: chr21-47851957-C-G.
Other names: c.8160+65C>G (NM_001315529.2); c.8579C>G (NM_006031.5); short protein forms S2860C.
Identifiers: ClinVar variation 4806792 (VCV004806792.2).

ClinVar aggregate classification (germline): Uncertain significance. Review status: criteria provided, multiple submitters, no conflicts (2 of 4 stars). 2 submissions from 2 submitters: Uncertain significance (2). Last evaluated 2025-05-01.

Conditions:
PCNT-related disorder. Also called: PCNT-related condition.

gnomAD v4.1: 1 of 1,613,978 alleles (0.000062%); highest among the groups gnomAD compares: East Asian, 0.0022%; no homozygotes.

Submissions (2):

Labcorp Genetics (formerly Invitae), Labcorp
Classification: Uncertain significance. Last evaluated: 2025-05-01. Review status: criteria provided, single submitter. Criteria: Invitae Variant Classification Sherloc (09022015). Collection method: clinical testing. Allele origin: germline.
Comment: This sequence change replaces serine, which is neutral and polar, with cysteine, which is neutral and slightly polar, at codon 2860 of the PCNT protein (p.Ser2860Cys). This variant is not present in population databases (gnomAD no frequency). This variant has not been reported in the literature in individuals affected with PCNT-related conditions. An algorithm developed to predict the effect of missense changes on protein structure and function outputs the following: PolyPhen-2: "Benign". The cysteine amino acid residue is found in multiple mammalian species, which suggests that this missense change does not adversely affect protein function. In summary, the available evidence is currently insufficient to determine the role of this variant in disease. Therefore, it has been classified as a Variant of Uncertain Significance.

PreventionGenetics, part of Exact Sciences
Classification: Uncertain significance for PCNT-related condition. Last evaluated: 2024-12-06. Review status: criteria provided, single submitter. Criteria: ACMG Guidelines, 2015. Collection method: clinical testing. Allele origin: germline.
Comment: The PCNT c.8579C>G variant is predicted to result in the amino acid substitution p.Ser2860Cys. To our knowledge, this variant has not been reported in the literature or in a large population database (gnomAD), indicating this variant is rare. At this time, the clinical significance of this variant is uncertain due to the absence of conclusive functional and genetic evidence.